The following is an entry in ClinVar:

NM_005257.6(GATA6):c.1009T>C (p.Tyr337His)

Gene: GATA6 (GATA binding protein 6; plus strand). Cytogenetic location: 18q11.2.
Variant type: single nucleotide variant.
Coding change: c.1009T>C on transcript NM_005257.6 (MANE Select); coding-DNA position 1009, T replaced by C.
Protein change: p.Tyr337His; replaces tyrosine 337 with histidine.
Molecular consequence: missense variant.
Genome position (GRCh38, 1-based): chr18:22,172,153, T>C. VCF-style: chr18-22172153-T-C. GRCh37 (hg19) VCF-style: chr18-19752114-T-C.
Other names: short protein forms Y337H.
Identifiers: ClinVar variation 1217081 (VCV001217081.3), dbSNP rs2143278600, ClinGen allele CA401801615.

ClinVar aggregate classification (germline): Uncertain significance (1 of 4 stars; one submission).

Submission:

GeneDx
Classification: Uncertain significance. Last evaluated: 2019-03-29. Review status: criteria provided, single submitter. Criteria: GeneDx Variant Classification Process June 2021. Collection method: clinical testing. Allele origin: germline. Affected: yes.
Comment: Not observed in large population cohorts (Lek et al., 2016); In silico analysis, which includes protein predictors and evolutionary conservation, supports a deleterious effect; Has not been previously published as pathogenic or benign to our knowledge